The following is an entry in ClinVar:

NM_198252.3(GSN):c.1663G>A (p.Val555Met)

Gene: GSN (gelsolin; plus strand). Cytogenetic location: 9q33.2.
Variant type: single nucleotide variant.
Coding change: c.1663G>A on transcript NM_198252.3 (MANE Select); coding-DNA position 1663, G replaced by A.
Protein change: p.Val555Met; replaces valine 555 with methionine.
Molecular consequence: missense variant.
Genome position (GRCh38, 1-based): chr9:121,327,383, G>A. VCF-style: chr9-121327383-G-A. GRCh37 (hg19) VCF-style: chr9-124089661-G-A.
Other names: c.1816G>A, p.Val606Met (NM_000177.5); c.1663G>A, p.Val555Met (NM_001127662.2, NM_001127664.2, NM_001127665.2 and 10 more transcripts); c.1771G>A, p.Val591Met (NM_001127663.2); c.1696G>A, p.Val566Met (NM_001127666.2, NM_001127667.2, NM_001353063.2 and 13 more transcripts); c.1714G>A, p.Val572Met (NM_001258029.2); c.1687G>A, p.Val563Met (NM_001258030.2); c.1735G>A, p.Val579Met (NM_001353076.2); c.1009G>A, p.Val337Met (NM_001353078.2); short protein forms V566M, V606M, V563M, V591M, V555M, V579M, V337M, V572M.
Identifiers: ClinVar variation 364823 (VCV000364823.50), dbSNP rs151208452, ClinGen allele CA5221375.

ClinVar aggregate classification (germline): Benign/Likely benign. Review status: criteria provided, multiple submitters, no conflicts (2 of 4 stars). 9 submissions from 9 submitters: Benign (4); Likely benign (4). 1 of the submissions does not count toward it. Last evaluated 2026-01-27.

Conditions:
Finnish type amyloidosis. Also called: Lattice corneal dystrophy associated with familial systemic amyloidosis; Meretoja's syndrome; Lattice dystrophy of the cornea with hereditary generalized amyloidosis; AMYLOIDOSIS, HEREDITARY SYSTEMIC 4, FINNISH TYPE; AMYLOID CRANIAL NEUROPATHY WITH LATTICE CORNEAL DYSTROPHY; AMYLOIDOSIS DUE TO MUTANT GELSOLIN. Identifiers: Orphanet 85448, MedGen C1622345, MONDO:0007097, OMIM 105120.
GSN-related disorder. Also called: GSN-related condition.
Inborn genetic diseases. Identifiers: MedGen C0950123, MeSH D030342.

Allele frequency attached by ClinVar (database versions not stated): 1000 Genomes Project 30x 0.00062; gnomAD 0.00063 and 0.00084; TOPMed 0.00073; 1000 Genomes Project 0.00080; ESP Exome Variant Server 0.00092; gnomAD exomes 0.00147; ExAC 0.00176.
gnomAD v4.1: 2,057 of 1,613,848 alleles (0.13%); highest among the groups gnomAD compares: South Asian, 0.63%; 7 homozygotes.

Submissions (9):

Labcorp Genetics (formerly Invitae), Labcorp
Classification: Benign. Last evaluated: 2026-01-27. Review status: criteria provided, single submitter. Criteria: Invitae Variant Classification Sherloc (09022015). Collection method: clinical testing. Allele origin: germline.

CeGaT Center for Human Genetics Tuebingen
Classification: Likely benign. Last evaluated: 2025-10-01. Review status: criteria provided, single submitter. Criteria: CeGaT Center For Human Genetics Tuebingen Variant Classification Criteria Version 2. Collection method: clinical testing. Allele origin: germline. Affected: yes. Observed: 6 variant alleles.
Comment: GSN: BS1

Genomic Medicine Center of Excellence, King Faisal Specialist Hospital and Research Centre
Classification: Likely benign. Last evaluated: 2025-08-18. Review status: criteria provided, single submitter. Criteria: ACMG Guidelines, 2015. Collection method: clinical testing. Allele origin: germline.

Blueprint Genetics
Classification: Likely benign. Last evaluated: 2024-10-23. Review status: criteria provided, single submitter. Criteria: ACMG Guidelines, 2015. Collection method: clinical testing. Allele origin: germline.

Ambry Genetics
Classification: Likely benign for Inborn genetic diseases. Last evaluated: 2022-03-29. Review status: criteria provided, single submitter. Criteria: Ambry Variant Classification Scheme 2023. Collection method: clinical testing. Allele origin: germline.

Genetic Services Laboratory, University of Chicago
Classification: Benign. Last evaluated: 2021-02-23. Review status: criteria provided, single submitter. Criteria: ACMG Guidelines, 2015. Collection method: clinical testing. Allele origin: germline. Affected: no.

Illumina Laboratory Services, Illumina
Classification: Benign for Finnish type amyloidosis. Last evaluated: 2018-01-13. Review status: criteria provided, single submitter. Criteria: ICSL Variant Classification Criteria 13 December 2019. Collection method: clinical testing. Allele origin: germline.
Comment: This variant was observed in the ICSL laboratory as part of a predisposition screen in an ostensibly healthy population. It had not been previously curated by ICSL or reported in the Human Gene Mutation Database (HGMD: prior to June 1st, 2018), and was therefore a candidate for classification through an automated scoring system. Utilizing variant allele frequency, disease prevalence and penetrance estimates, and inheritance mode, an automated score was calculated to assess if this variant is too frequent to cause the disease. Based on the score and internal cut-off values, a variant classified as benign is not then subjected to further curation. The score for this variant resulted in a classification of benign for this disease.

Breakthrough Genomics
Classification: Benign. Review status: criteria provided, single submitter. Criteria: ACMG Guidelines, 2015. Collection method: not provided. Allele origin: germline. Inheritance: Autosomal dominant inheritance. Affected: yes.

PreventionGenetics, part of Exact Sciences
Classification: Likely benign for GSN-related condition. Last evaluated: 2020-11-10. Review status: no assertion criteria provided. Collection method: clinical testing. Allele origin: germline. Not counted in ClinVar's aggregate classification.
Comment: This variant is classified as likely benign based on ACMG/AMP sequence variant interpretation guidelines (Richards et al. 2015 PMID: 25741868, with internal and published modifications).